The following is an entry in ClinVar:

ClinVar aggregate classification (germline): Uncertain significance (1 of 4 stars; one submission).

gnomAD v4.1: 2 of 1,612,718 alleles (0.00012%); highest among the groups gnomAD compares: Non-Finnish European, 0.000085%; no homozygotes.

Submission:

GeneDx
Classification: Uncertain significance. Last evaluated: 2024-01-14. Review status: criteria provided, single submitter. Criteria: GeneDx Variant Classification Process June 2021. Collection method: clinical testing. Allele origin: germline. Affected: yes.
Comment: Not observed at significant frequency in large population cohorts (gnomAD); In silico analysis supports that this missense variant does not alter protein structure/function; Has not been previously published as pathogenic or benign to our knowledge

NM_002474.3(MYH11):c.3802T>C (p.Cys1268Arg)

Gene: MYH11 (myosin heavy chain 11; minus strand). Cytogenetic location: 16p13.11.
Variant type: single nucleotide variant.
Coding change: c.3802T>C on transcript NM_002474.3 (MANE Select); coding-DNA position 3802, T replaced by C.
Protein change: p.Cys1268Arg; replaces cysteine 1268 with arginine.
Molecular consequence: missense variant.
Genome position (GRCh38, 1-based): chr16:15,726,904, A>G on the plus strand (T>C on the coding strand, the complement: MYH11 is on the minus strand). VCF-style: chr16-15726904-A-G. GRCh37 (hg19) VCF-style: chr16-15820761-A-G.
Other names: c.3823T>C, p.Cys1275Arg (NM_001040113.2, NM_001040114.2); c.3802T>C, p.Cys1268Arg (NM_022844.3); short protein forms C1268R, C1275R.
Identifiers: ClinVar variation 3367944 (VCV003367944.1).